The following is an entry in ClinVar:

NM_001754.5(RUNX1):c.*3580T>G

Gene: RUNX1 (RUNX family transcription factor 1; minus strand). Cytogenetic location: 21q22.12.
Variant type: single nucleotide variant.
Coding change: c.*3580T>G on transcript NM_001754.5 (MANE Select); 3580 bases downstream of the stop codon, T replaced by G.
Molecular consequence: 3 prime UTR variant.
Genome position (GRCh38, 1-based): chr21:34,788,555, A>C on the plus strand (T>G on the coding strand, the complement: RUNX1 is on the minus strand). VCF-style: chr21-34788555-A-C. GRCh37 (hg19) VCF-style: chr21-36160852-A-C.
Other names: c.*3580T>G (NM_001001890.3).
Identifiers: ClinVar variation 339804 (VCV000339804.6), dbSNP rs373937576, ClinGen allele CA10650412.

ClinVar aggregate classification (germline): Likely benign. Review status: reviewed by expert panel (3 of 4 stars). 2 submissions from 2 submitters: Likely benign (1). 1 of the submissions does not count toward it. Last evaluated 2025-01-15.

Conditions:
Hereditary thrombocytopenia and hematological cancer predisposition syndrome associated with RUNX1. Also called: PLATELET DISORDER, ASPIRIN-LIKE; RUNX1 Familial Platelet Disorder with Associated Myeloid Malignancies; Familial Platelet Disorder with Propensity to Acute Myelogenous Leukemia; Familial thrombocytopenia with propensity to acute myelogenous leukemia. Identifiers: Orphanet 71290, MedGen C1832388, MeSH C563324, MONDO:0100083, OMIM 601399.

Allele frequency attached by ClinVar (database versions not stated): TOPMed 0.00023; gnomAD 0.00024 and 0.00023; gnomAD exomes 0.00045.
gnomAD v4.1: 72 of 233,078 alleles (0.031%); highest among the groups gnomAD compares: African/African-American, 0.022%; no homozygotes.

Submissions (2):

ClinGen Myeloid Malignancy Variant Curation Expert Panel
Classification: Likely benign for Hereditary thrombocytopenia and hematological cancer predisposition syndrome associated with RUNX1. Last evaluated: 2025-01-15. Review status: reviewed by expert panel. Criteria: ClinGen MyeloMalig ACMG Specifications v2. Collection method: curation. Allele origin: germline. Inheritance: Autosomal dominant inheritance.
Comment: NM_001754.5(RUNX1):c.*3580T>G is a 3' UTR variant which has a MAF of 0.00057 (0.057%, 5/8716, alleles) in the African subpopulation of the 20210610 (gnomAD) cohort which is between 0.00015 (0.015%) and 0.0015 (0.15%) (BS1). In summary, this variant meets criteria to be classified as likely benign. ACMG/AMP criteria applied, as specified by the Myeloid Malignancy Variant Curation Expert Panel for RUNX1: BS1.

Illumina Laboratory Services, Illumina
Classification: Uncertain significance for Hereditary thrombocytopenia and hematological cancer predisposition syndrome associated with RUNX1. Last evaluated: 2018-01-13. Review status: criteria provided, single submitter. Criteria: ICSL Variant Classification Criteria 13 December 2019. Collection method: clinical testing. Allele origin: germline. Not counted in ClinVar's aggregate classification.